The following is an entry in ClinVar:

NM_001199138.2(NLRC4):c.241T>C (p.Phe81Leu)

Gene: NLRC4 (NLR family CARD domain containing 4; minus strand). Cytogenetic location: 2p22.3.
Variant type: single nucleotide variant.
Coding change: c.241T>C on transcript NM_001199138.2 (MANE Select); coding-DNA position 241, T replaced by C.
Protein change: p.Phe81Leu; replaces phenylalanine 81 with leucine.
Molecular consequence: missense variant.
Genome position (GRCh38, 1-based): chr2:32,252,440, A>G on the plus strand (T>C on the coding strand, the complement: NLRC4 is on the minus strand). VCF-style: chr2-32252440-A-G. GRCh37 (hg19) VCF-style: chr2-32477509-A-G.
Other names: p.Phe81Leu; c.241T>C, p.Phe81Leu (NM_001199139.2, NM_001302504.2, NM_021209.5); short protein forms F81L.
Identifiers: ClinVar variation 2155180 (VCV002155180.5), dbSNP rs146045395, ClinGen allele CA1602194.

ClinVar aggregate classification (germline): Uncertain significance. Review status: criteria provided, multiple submitters, no conflicts (2 of 4 stars). 2 submissions from 2 submitters: Uncertain significance (2). Last evaluated 2025-10-27.

Conditions:
Periodic fever-infantile enterocolitis-autoinflammatory syndrome. Also called: Autoinflammation with infantile enterocolitis. Identifiers: Orphanet 436166, MedGen C4015067, MONDO:0014472, OMIM 616050.
Familial cold autoinflammatory syndrome 4 (FCAS4). Identifiers: Orphanet 47045, Orphanet 576349, MedGen C4015276, MONDO:0014498, OMIM 616115.

Allele frequency attached by ClinVar (database versions not stated): gnomAD exomes below 0.00001; ExAC 0.00003; TOPMed 0.00011; gnomAD 0.00015; ESP Exome Variant Server 0.00031; 1000 Genomes Project 0.00040; 1000 Genomes Project 30x 0.00047.
gnomAD v4.1: 28 of 1,610,282 alleles (0.0017%); highest among the groups gnomAD compares: African/African-American, 0.035%; no homozygotes.

Submissions (2):

Labcorp Genetics (formerly Invitae), Labcorp
Classification: Uncertain significance for Periodic fever-infantile enterocolitis-autoinflammatory syndrome; Familial cold autoinflammatory syndrome 4. Last evaluated: 2025-10-27. Review status: criteria provided, single submitter. Criteria: Invitae Variant Classification Sherloc (09022015). Collection method: clinical testing. Allele origin: germline.
Comment: This sequence change replaces phenylalanine, which is neutral and non-polar, with leucine, which is neutral and non-polar, at codon 81 of the NLRC4 protein (p.Phe81Leu). This variant is present in population databases (rs146045395, gnomAD 0.04%). This variant has not been reported in the literature in individuals affected with NLRC4-related conditions. ClinVar contains an entry for this variant (Variation ID: 2155180). Invitae Evidence Modeling of protein sequence and biophysical properties (such as structural, functional, and spatial information, amino acid conservation, physicochemical variation, residue mobility, and thermodynamic stability) indicates that this missense variant is not expected to disrupt NLRC4 protein function with a negative predictive value of 80%. In summary, the available evidence is currently insufficient to determine the role of this variant in disease. Therefore, it has been classified as a Variant of Uncertain Significance.

Mayo Clinic Laboratories, Mayo Clinic
Classification: Uncertain significance. Last evaluated: 2025-10-24. Review status: criteria provided, single submitter. Criteria: ACMG Guidelines, 2015. Collection method: clinical testing. Allele origin: germline. Observed: 1 variant allele.
Comment: BP4_moderate